The following is an entry in ClinVar:

NM_007294.4(BRCA1):c.3608G>A (p.Arg1203Gln)

Genes: BRCA1 (BRCA1 DNA repair associated; minus strand), LOC126862571 (BRD4-independent group 4 enhancer GRCh37_chr17:41243136-41244335; plus strand). Cytogenetic location: 17q21.31.
Variant type: single nucleotide variant.
Coding change: c.3608G>A on transcript NM_007294.4 (MANE Select); coding-DNA position 3608, G replaced by A.
Protein change: p.Arg1203Gln; replaces arginine 1203 with glutamine.
Molecular consequence: missense variant. On other transcripts: intron variant (135).
Genome position (GRCh38, 1-based): chr17:43,091,923, C>T on the plus strand (G>A on the coding strand, the complement: BRCA1 is on the minus strand). VCF-style: chr17-43091923-C-T. GRCh37 (hg19) VCF-style: chr17-41243940-C-T.
Other names: 3727G>A; c.521-891G>A (NM_001408504.1, NM_001408503.1, NM_001408505.1); c.644-891G>A (NM_001408463.1, NM_001408462.1, NM_001408470.1 and 3 more transcripts); c.524-891G>A (NM_001408499.1, NM_001408498.1, NM_001408501.1 and 3 more transcripts); c.671-891G>A (NM_001408422.1, NM_001408418.1, NM_001408423.1 and 2 more transcripts); c.707-891G>A (NM_001408416.1, NM_001408413.1); c.578-891G>A (NM_001408484.1, NM_001408478.1, NM_001408514.1 and 9 more transcripts); c.662-891G>A (NM_001408450.1, NM_001408434.1, NM_001408447.1 and 6 more transcripts); and 42 more; short protein forms R1203Q, R1156Q, R1133Q, R1162Q, R1176Q, R1177Q, R1200Q, R1202Q.
Identifiers: ClinVar variation 54935 (VCV000054935.73), dbSNP rs55930959, ClinGen allele CA002306.

ClinVar aggregate classification (germline): Benign. Review status: reviewed by expert panel (3 of 4 stars). 20 submissions from 20 submitters: Benign (1). 19 of the submissions do not count toward it. Last evaluated 2015-08-10.

Conditions:
Fanconi anemia, complementation group S (FANCS). Identifiers: MedGen C4554406, MONDO:0054748, OMIM 617883.
BRCA1-related disorder. Also called: BRCA1-related condition.
Hereditary cancer-predisposing syndrome. Also called: Hereditary Cancer Syndrome; Tumor predisposition; Neoplastic Syndromes, Hereditary; Hereditary neoplastic syndrome. Identifiers: Orphanet 140162, MedGen C0027672, MeSH D009386, MONDO:0015356.
Hereditary breast ovarian cancer syndrome. Also called: Breast and ovarian cancer; BRCA1- and BRCA2-Associated Hereditary Breast and Ovarian Cancer; Hereditary breast and ovarian cancer; Hereditary breast and ovarian cancer syndrome (HBOC); Hereditary breast and ovarian cancer syndrome; Hereditary breast and/or ovarian cancer syndrome. Identifiers: Orphanet 145, MedGen C0677776, MeSH D061325, MONDO:0003582. Disease mechanism: loss of function.
Breast-ovarian cancer, familial, susceptibility to, 1 (BROVCA1). Also called: BRCA1 Hereditary Breast and Ovarian Cancer; OVARIAN CANCER, SUSCEPTIBILITY TO. Identifiers: Orphanet 145, MedGen C2676676, MONDO:0011450, OMIM 604370. Disease mechanism: loss of function.

Allele frequency attached by ClinVar (database versions not stated): gnomAD exomes 0.00005 and 0.00007; ExAC 0.00006; gnomAD 0.00006; TOPMed 0.00002.
gnomAD v4.1: 107 of 1,614,022 alleles (0.0066%); highest among the groups gnomAD compares: Non-Finnish European, 0.0073%; no homozygotes.

Submissions (20):

Evidence-based Network for the Interpretation of Germline Mutant Alleles (ENIGMA)
Classification: Benign for Breast-ovarian cancer, familial 1. Last evaluated: 2015-08-10. Review status: reviewed by expert panel. Criteria: ENIGMA BRCA1/2 Classification Criteria (2015). Collection method: curation. Allele origin: germline.
Comment: IARC class based on posterior probability from multifactorial likelihood analysis, thresholds for class as per Plon et al. 2008 (PMID: 18951446). Class 1 based on posterior probability = 0.00000365

CeGaT Center for Human Genetics Tuebingen
Classification: Likely benign. Last evaluated: 2026-02-01. Review status: criteria provided, single submitter. Criteria: CeGaT Center For Human Genetics Tuebingen Variant Classification Criteria Version 2. Collection method: clinical testing. Allele origin: germline. Affected: yes. Observed: 3 variant alleles. Not counted in ClinVar's aggregate classification.
Comment: BRCA1: BP1, BP4

Labcorp Genetics (formerly Invitae), Labcorp
Classification: Likely benign for Hereditary breast ovarian cancer syndrome. Last evaluated: 2026-01-26. Review status: criteria provided, single submitter. Criteria: Invitae Variant Classification Sherloc (09022015). Collection method: clinical testing. Allele origin: germline. Not counted in ClinVar's aggregate classification.

Center for Genomic Medicine, Rigshospitalet, Copenhagen University Hospital
Classification: Benign. Last evaluated: 2025-03-04. Review status: criteria provided, single submitter. Criteria: ACMG Guidelines, 2015. Collection method: clinical testing. Allele origin: germline. Not counted in ClinVar's aggregate classification.

Department of Pathology and Laboratory Medicine, Sinai Health System
Classification: Benign for Fanconi anemia, complementation group S. Last evaluated: 2025-01-31. Review status: criteria provided, single submitter. Criteria: ACMG Guidelines, 2015. Collection method: clinical testing. Allele origin: germline. Not counted in ClinVar's aggregate classification.

ARUP Laboratories, Molecular Genetics and Genomics, ARUP Laboratories
Classification: Likely benign. Last evaluated: 2024-05-31. Review status: criteria provided, single submitter. Criteria: ARUP Molecular Germline Variant Investigation Process 2024. Collection method: clinical testing. Allele origin: germline. Not counted in ClinVar's aggregate classification.

Blueprint Genetics
Classification: Likely benign. Last evaluated: 2024-04-19. Review status: criteria provided, single submitter. Criteria: ACMG Guidelines, 2015. Collection method: clinical testing. Allele origin: germline. Not counted in ClinVar's aggregate classification.

Quest Diagnostics Nichols Institute San Juan Capistrano
Classification: Benign. Last evaluated: 2023-07-21. Review status: criteria provided, single submitter. Criteria: Quest Diagnostics criteria. Collection method: clinical testing. Allele origin: unknown. Not counted in ClinVar's aggregate classification.

Women's Health and Genetics/Laboratory Corporation of America, LabCorp
Classification: Benign. Last evaluated: 2021-07-04. Review status: criteria provided, single submitter. Criteria: LabCorp Variant Classification Summary - May 2015. Collection method: clinical testing. Allele origin: germline. Not counted in ClinVar's aggregate classification.
Comment: Variant summary: BRCA1 c.3608G>A (p.Arg1203Gln) results in a conservative amino acid change in the encoded protein sequence. Five of five in-silico tools predict a benign effect of the variant on protein function. The variant allele was found at a frequency of 4.8e-05 in 251078 control chromosomes. This frequency is not significantly higher than expected for a pathogenic variant in BRCA1 causing Hereditary Breast And Ovarian Cancer Syndrome (4.8e-05 vs 0.001), allowing no conclusion about variant significance. c.3608G>A has been widely reported in the literature in individuals undergoing sequence based analysis for Hereditary Breast And Ovarian Cancer Syndrome. These report(s) do not provide unequivocal conclusions about association of the variant with Hereditary Breast And Ovarian Cancer Syndrome. Multifactorial probability models have classified this variant as neutral/benign with an IARC classification of 1 (benign) (example, Easton_2007, Lindor_2012, Lyra_2021). At-least two co-occurrences with other pathogenic variant(s) have been reported in the BIC database and observed at our laboratory (BIC, BRCA2 c.778_779delGA, p.Glu260Serfs; Our lab, BRIP1 c.890delA, p.Lys297fs), providing supporting evidence for a benign role. Multiple clinical diagnostic laboratories and an expert panel (ENIGMA) have submitted clinical-significance assessments for this variant to ClinVar after 2014 without evidence for independent evaluation and a majority consensus leaning towards benign/likely benign (n=6). Based on the evidence outlined above, the variant was classified as benign.

GeneDx
Classification: Likely benign. Last evaluated: 2020-10-19. Review status: criteria provided, single submitter. Criteria: GeneDx Variant Classification Process June 2021. Collection method: clinical testing. Allele origin: germline. Affected: yes. Not counted in ClinVar's aggregate classification.
Comment: This variant is associated with the following publications: (PMID: 21990134, 20104584, 21218378, 18284688, 19471317, 21520273, 21120943, 15447980, 15235020, 25011685, 22753008, 17924331, 27376475, 25948282, 18273839, 15983021, 23704879, 16267036, 15385441, 33087888)

Color Diagnostics, LLC DBA Color Health
Classification: Likely benign for Hereditary cancer-predisposing syndrome. Last evaluated: 2018-05-30. Review status: criteria provided, single submitter. Criteria: ACMG Guidelines, 2015. Collection method: clinical testing. Allele origin: germline. Not counted in ClinVar's aggregate classification.

Illumina Laboratory Services, Illumina
Classification: Uncertain significance for Breast-ovarian cancer, familial, susceptibility to, 1. Last evaluated: 2017-04-27. Review status: criteria provided, single submitter. Criteria: ICSL Variant Classification Criteria 13 December 2019. Collection method: clinical testing. Allele origin: germline. Not counted in ClinVar's aggregate classification.
Comment: This variant was observed as part of a predisposition screen in an ostensibly healthy population. A literature search was performed for the gene, cDNA change, and amino acid change (where applicable). Publications were found based on this search. However, the evidence from the literature, in combination with allele frequency data from public databases where available, was not sufficient to rule this variant in or out of causing disease. Therefore, this variant is classified as a variant of unknown significance.

Genomic Diagnostic Laboratory, Division of Genomic Diagnostics, Children's Hospital of Philadelphia
Classification: Uncertain significance for Hereditary Breast and Ovarian Cancer. Last evaluated: 2015-07-15. Review status: criteria provided, single submitter. Criteria: DGD Variant Analysis Guidelines. Collection method: clinical testing. Allele origin: unknown. Not counted in ClinVar's aggregate classification.

Ambry Genetics
Classification: Benign for Hereditary cancer-predisposing syndrome. Last evaluated: 2014-11-18. Review status: criteria provided, single submitter. Criteria: Ambry Variant Classification Scheme 2023. Collection method: clinical testing. Allele origin: germline. Not counted in ClinVar's aggregate classification.

Pathway Genomics
Classification: Likely benign for Breast-ovarian cancer, familial 1. Last evaluated: 2014-10-30. Review status: criteria provided, single submitter. Criteria: ACMG Guidelines, 2015. Collection method: clinical testing. Allele origin: germline. Not counted in ClinVar's aggregate classification.

PreventionGenetics, part of Exact Sciences
Classification: Likely benign for BRCA1-related condition. Last evaluated: 2023-11-30. Review status: no assertion criteria provided. Collection method: clinical testing. Allele origin: germline. Not counted in ClinVar's aggregate classification.
Comment: This variant is classified as likely benign based on ACMG/AMP sequence variant interpretation guidelines (Richards et al. 2015 PMID: 25741868, with internal and published modifications).

Counsyl
Classification: Benign for Breast-ovarian cancer, familial, susceptibility to, 1. Last evaluated: 2016-08-10. Review status: no assertion criteria provided. Collection method: clinical testing. Allele origin: unknown. Not counted in ClinVar's aggregate classification.

Breast Cancer Information Core (BIC) (BRCA1)
Classification: Uncertain significance for Breast-ovarian cancer, familial 1. Last evaluated: 2002-05-29. Review status: no assertion criteria provided. Collection method: clinical testing. Allele origin: germline. Affected: yes. Observed: 6 variant alleles. Not counted in ClinVar's aggregate classification.

Clinical Genetics DNA and cytogenetics Diagnostics Lab, Erasmus MC, Erasmus Medical Center
Classification: Benign. Review status: no assertion criteria provided. Collection method: clinical testing. Allele origin: germline. Affected: yes. Study: VKGL Data-share Consensus. Not counted in ClinVar's aggregate classification.

Joint Genome Diagnostic Labs from Nijmegen and Maastricht, Radboudumc and MUMC+
Classification: Likely benign. Review status: no assertion criteria provided. Collection method: clinical testing. Allele origin: germline. Affected: yes. Study: VKGL Data-share Consensus. Not counted in ClinVar's aggregate classification.

Literature cited by the submitters: PubMed 21990134 (cited by 6 submitters); PubMed 15983021 (cited by 5 submitters); PubMed 17924331 (cited by 4 submitters); PubMed 18273839 (cited by 4 submitters); PubMed 18284688 (cited by 3 submitters); PubMed 19471317 (cited by 3 submitters); PubMed 20104584 (cited by 4 submitters); PubMed 25948282 (cited by Department of Pathology and Laboratory Medicine, Sinai Health System and Counsyl); PubMed 27376475 (cited by 3 submitters); PubMed 33471991 (cited by Department of Pathology and Laboratory Medicine, Sinai Health System and Quest Diagnostics Nichols Institute San Juan Capistrano); PubMed 34981296 (cited by Department of Pathology and Laboratory Medicine, Sinai Health System and Quest Diagnostics Nichols Institute San Juan Capistrano); PubMed 15235020 (cited by 4 submitters); PubMed 16267036 (cited by Quest Diagnostics Nichols Institute San Juan Capistrano and Women's Health and Genetics/Laboratory Corporation of America, LabCorp); PubMed 15447980 (cited by 4 submitters); PubMed 21218378 (cited by 3 submitters); PubMed 25011685 (cited by 3 submitters); PubMed 22753008 (cited by Quest Diagnostics Nichols Institute San Juan Capistrano and Women's Health and Genetics/Laboratory Corporation of America, LabCorp); PubMed 33087888 (cited by Quest Diagnostics Nichols Institute San Juan Capistrano and Women's Health and Genetics/Laboratory Corporation of America, LabCorp); PubMed 15385441 (cited by Women's Health and Genetics/Laboratory Corporation of America, LabCorp); PubMed 21520273 (cited by Women's Health and Genetics/Laboratory Corporation of America, LabCorp and Counsyl); PubMed 20858050 (cited by Women's Health and Genetics/Laboratory Corporation of America, LabCorp); PubMed 21120943 (cited by Women's Health and Genetics/Laboratory Corporation of America, LabCorp and Counsyl); PubMed 23704879 (cited by Women's Health and Genetics/Laboratory Corporation of America, LabCorp).